The following is an entry in ClinVar:

ClinVar aggregate classification (germline): Likely benign (1 of 4 stars; one submission).

gnomAD v4.1: 4 of 1,234,432 alleles (0.00032%); highest among the groups gnomAD compares: Non-Finnish European, 0.0004%; no homozygotes.

Submission:

CeGaT Center for Human Genetics Tuebingen
Classification: Likely benign. Last evaluated: 2026-08-01. Review status: criteria provided, single submitter. Criteria: CeGaT Center For Human Genetics Tuebingen Variant Classification Criteria Version 2. Collection method: clinical testing. Allele origin: germline. Affected: yes. Observed: 2 variant alleles.
Comment: GIPC3: BP4, BP7

NM_133261.3(GIPC3):c.*569T>C

Gene: GIPC3 (GIPC PDZ domain containing family member 3; plus strand). Cytogenetic location: 19p13.3.
Variant type: single nucleotide variant.
Coding change: c.*569T>C on transcript NM_133261.3 (MANE Select); 569 bases downstream of the stop codon, T replaced by C.
Molecular consequence: 3 prime UTR variant. On other transcripts: synonymous variant (1).
Genome position (GRCh38, 1-based): chr19:3,590,759, T>C. VCF-style: chr19-3590759-T-C. GRCh37 (hg19) VCF-style: chr19-3590757-T-C.
Other names: c.1521T>C, p.Ser507= (NM_001411144.1).
Identifiers: ClinVar variation 4820771 (VCV004820771.4).
Genomic context (GRCh38, chr19:3,590,759, plus strand): 5'-CAGCTCTAAAACTCAGATGGGCTCTGAGACCATGCCCAGCTCTAGAACTCAGATGGGCTC[T>C]GAGACCGAGCCCAGCTCTAGAACTCAGATGGGCTCTGAGACCGAGCCCAGCTCTAGAACT-3'